The following is an entry in ClinVar:

NM_000156.6(GAMT):c.172TCC[3] (p.Ser59dup)

Genes: GAMT (guanidinoacetate N-methyltransferase; minus strand), LOC130062945 (ATAC-STARR-seq lymphoblastoid silent region 9707; plus strand). Cytogenetic location: 19p13.3.
Variant type: Microsatellite.
Coding change: c.172TCC[3] on transcript NM_000156.6 (MANE Select); three copies in a row of the 3-base unit TCC starting at c.172; the reference has two copies in a row; one copy, 3 bases duplicated; also written c.175_177dup.
Protein change: p.Ser59dup; duplicates serine 59.
Molecular consequence: inframe insertion.
Genome position (GRCh38, 1-based): chr19:1,401,300-1,401,302, GGA duplicated on the plus strand (TCC on the coding strand, the reverse complement: GAMT is on the minus strand); duplicating any 3 consecutive bases within chr19:1,401,300-1,401,307 gives the same sequence; the position shown is the placement nearest the transcript's 3' end. VCF-style (leftmost placement, unchanged base first): chr19-1401299-T-TGGA. GRCh37 (hg19) VCF-style: chr19-1401298-T-TGGA.
Other names: c.175_177dupTCC (NM_000156.6, NM_138924.1); c.175_177dup (NM_000156.4, NM_000156.6, NM_000156.5); c.172TCC[3], p.Ser59dup (NM_138924.3).
Identifiers: ClinVar variation 640432 (VCV000640432.8), dbSNP rs768895098, ClinGen allele CA9043790.

ClinVar aggregate classification (germline): Uncertain significance. Review status: criteria provided, multiple submitters, no conflicts (2 of 4 stars). 5 submissions from 5 submitters: Uncertain significance (4). 1 of the submissions does not count toward it. Last evaluated 2023-12-19.

Conditions:
Inborn genetic diseases. Identifiers: MedGen C0950123, MeSH D030342.
Deficiency of guanidinoacetate methyltransferase (CCDS2). Also called: GAMT DEFICIENCY; CEREBRAL CREATINE DEFICIENCY SYNDROME 2; Guanidinoacetate Methyltransferase (GAMT) Deficiency. Identifiers: Orphanet 382, MedGen C0574080, MONDO:0012999, OMIM 612736.
Cerebral creatine deficiency syndrome. Also called: Creatine deficiency syndromes. Identifiers: Orphanet 79172, MedGen C5244016, MONDO:0000456.

Submissions (5):

GeneDx
Classification: Uncertain significance. Last evaluated: 2023-12-19. Review status: criteria provided, single submitter. Criteria: GeneDx Variant Classification Process June 2021. Collection method: clinical testing. Allele origin: germline. Affected: yes.
Comment: Has not been previously published as pathogenic or benign to our knowledge; In silico analysis supports a deleterious effect on protein structure/function; In-frame /insertion of 1amino acid in a non-repeat region

Women's Health and Genetics/Laboratory Corporation of America, LabCorp
Classification: Uncertain significance. Last evaluated: 2023-11-14. Review status: criteria provided, single submitter. Criteria: LabCorp Variant Classification Summary - May 2015. Collection method: clinical testing. Allele origin: germline.
Comment: Variant summary: GAMT c.175_177dupTCC (p.Ser59dup) results in an in-frame duplication that is predicted to duplicate 1 amino acid into the encoded protein. The variant allele was found at a frequency of 0.00011 in 142718 control chromosomes. This frequency is not significantly higher than estimated for a pathogenic variant in GAMT causing Cerebral Creatine Deficiency Syndrome 2 (0.00011 vs 0.0011), allowing no conclusion about variant significance. To our knowledge, no occurrence of c.175_177dupTCC in individuals affected with Cerebral Creatine Deficiency Syndrome 2 and no experimental evidence demonstrating its impact on protein function have been reported. Three submitters have cited clinical-significance assessments for this variant to ClinVar after 2014. All submitters classified the variant as uncertain significance. Based on the evidence outlined above, the variant was classified as uncertain significance.

Labcorp Genetics (formerly Invitae), Labcorp
Classification: Uncertain significance for Cerebral creatine deficiency syndrome. Last evaluated: 2022-08-22. Review status: criteria provided, single submitter. Criteria: Invitae Variant Classification Sherloc (09022015). Collection method: clinical testing. Allele origin: germline.
Comment: This variant, c.175_177dup, results in the insertion of 1 amino acid(s) of the GAMT protein (p.Ser59dup), but otherwise preserves the integrity of the reading frame. This variant is present in population databases (rs768895098, gnomAD 0.06%). This variant has not been reported in the literature in individuals affected with GAMT-related conditions. ClinVar contains an entry for this variant (Variation ID: 640432). Experimental studies and prediction algorithms are not available or were not evaluated, and the functional significance of this variant is currently unknown. In summary, the available evidence is currently insufficient to determine the role of this variant in disease. Therefore, it has been classified as a Variant of Uncertain Significance.

Ambry Genetics
Classification: Uncertain significance for Inborn genetic diseases. Last evaluated: 2021-02-11. Review status: criteria provided, single submitter. Criteria: Ambry Variant Classification Scheme 2023. Collection method: clinical testing. Allele origin: germline.
Comment: The c.175_177dupTCC (p.S59dup) alteration is located in exon 1 (coding exon 1) of the GAMT gene. The alteration consists of an in-frame duplication of 3 nucleotides from position 175 to 177, resulting in the duplication of 1 residue. Based on data from the Genome Aggregation Database (gnomAD) database, the GAMT c.175_177dupTCC alteration was observed in 0.01% (15/142718) of total alleles studied. This amino acid position is well conserved in available vertebrate species. Based on insufficient or conflicting evidence, the clinical significance of this alteration remains unclear.

Natera, Inc.
Classification: Uncertain significance for Guanidinoacetate methyltransferase deficiency. Last evaluated: 2020-02-26. Review status: no assertion criteria provided. Collection method: clinical testing. Allele origin: germline. Not counted in ClinVar's aggregate classification.